The following is an entry in ClinVar:

ClinVar aggregate classification (germline): Uncertain significance (1 of 4 stars; one submission).

gnomAD v4.1: 3 of 1,613,308 alleles (0.00019%); highest among the groups gnomAD compares: African/African-American, 0.004%; no homozygotes.

Submission:

GeneDx
Classification: Uncertain significance. Last evaluated: 2023-12-12. Review status: criteria provided, single submitter. Criteria: GeneDx Variant Classification Process June 2021. Collection method: clinical testing. Allele origin: germline. Affected: yes.
Comment: Not observed at significant frequency in large population cohorts (gnomAD); In silico analysis supports that this missense variant does not alter protein structure/function; Has not been previously published as pathogenic or benign to our knowledge

NM_133259.4(LRPPRC):c.2377C>G (p.Leu793Val)

Gene: LRPPRC (leucine rich pentatricopeptide repeat containing; minus strand). Cytogenetic location: 2p21.
Variant type: single nucleotide variant.
Coding change: c.2377C>G on transcript NM_133259.4 (MANE Select); coding-DNA position 2377, C replaced by G.
Protein change: p.Leu793Val; replaces leucine 793 with valine.
Molecular consequence: missense variant.
Genome position (GRCh38, 1-based): chr2:43,943,814, G>C on the plus strand (C>G on the coding strand, the complement: LRPPRC is on the minus strand). VCF-style: chr2-43943814-G-C. GRCh37 (hg19) VCF-style: chr2-44170953-G-C.
Other names: short protein forms L793V.
Identifiers: ClinVar variation 3365313 (VCV003365313.1).
Genomic context (GRCh38, chr2:43,943,814, plus strand): 5'-CGATGGCTTCATGCAACTGTTTTACTGTTTCAATTTCACCTCTTAAAGCTGCGCCATTTA[G>C]CATGTGGAAAAAGGACAAGGCTGTTGTATCTTTGATAAGAACATCCTTCTCTTTCATCTC-3'
Protein context (NP_573566.2, residues 783-803): DTTALSFFHM[Leu793Val]NGAALRGEIE